The following is an entry in ClinVar:

NM_000153.4(GALC):c.489G>A (p.Trp163Ter)

Gene: GALC (galactosylceramidase; minus strand). Cytogenetic location: 14q31.3.
Variant type: single nucleotide variant.
Coding change: c.489G>A on transcript NM_000153.4 (MANE Select); coding-DNA position 489, G replaced by A.
Protein change: p.Trp163Ter; replaces tryptophan 163 with a stop codon.
Molecular consequence: nonsense.
Genome position (GRCh38, 1-based): chr14:87,984,487, C>T on the plus strand (G>A on the coding strand, the complement: GALC is on the minus strand). VCF-style: chr14-87984487-C-T. GRCh37 (hg19) VCF-style: chr14-88450831-C-T.
Other names: c.420G>A, p.Trp140Ter (NM_001201401.2); c.411G>A, p.Trp137Ter (NM_001201402.2); short protein forms W163*, W137*, W140*.
Identifiers: ClinVar variation 188860 (VCV000188860.19), dbSNP rs761550284, ClinGen allele CA274053.

ClinVar aggregate classification (germline): Pathogenic/Likely pathogenic. Review status: criteria provided, multiple submitters, no conflicts (2 of 4 stars). 8 submissions from 8 submitters: Pathogenic (6); Likely pathogenic (1). 1 of the submissions does not count toward it. Last evaluated 2025-05-27.

Conditions:
GALC-related disorder. Also called: GALC-related condition.
Galactosylceramide beta-galactosidase deficiency. Also called: GALACTOCEREBROSIDASE DEFICIENCY; GALC DEFICIENCY; GLOBOID CELL LEUKOENCEPHALOPATHY; Leukodystrophy, Globoid Cell; Krabbe Disease. Identifiers: Orphanet 487, MedGen C0023521, MONDO:0009499, OMIM 245200.

Allele frequency attached by ClinVar (database versions not stated): gnomAD exomes below 0.00001 and 0.00001; gnomAD 0.00001; TOPMed 0.00001; ExAC 0.00002.

Submissions (8):

Labcorp Genetics (formerly Invitae), Labcorp
Classification: Pathogenic for Galactosylceramide beta-galactosidase deficiency. Last evaluated: 2025-05-27. Review status: criteria provided, single submitter. Criteria: Invitae Variant Classification Sherloc (09022015). Collection method: clinical testing. Allele origin: germline.
Comment: This sequence change creates a premature translational stop signal (p.Trp163*) in the GALC gene. It is expected to result in an absent or disrupted protein product. Loss-of-function variants in GALC are known to be pathogenic (PMID: 7437911, 9272171, 16607461). This variant is present in population databases (rs761550284, gnomAD 0.006%). This premature translational stop signal has been observed in individual(s) with Krabbe disease (PMID: 22115770). This variant is also known as p.Trp147*. ClinVar contains an entry for this variant (Variation ID: 188860). For these reasons, this variant has been classified as Pathogenic.

PreventionGenetics, part of Exact Sciences
Classification: Pathogenic for GALC-related condition. Last evaluated: 2024-10-25. Review status: criteria provided, single submitter. Criteria: ACMG Guidelines, 2015. Collection method: clinical testing. Allele origin: germline.
Comment: The GALC c.489G>A variant is predicted to result in premature protein termination (p.Trp163*). This variant has been reported in the compound heterozygous state in at least one individual with Krabbe disease (Puckett et al. 2012. PubMed ID: 22115770; Beltran-Quintero et al. 2019. PubMed ID: 30777126). This variant is reported in 0.0058% of alleles in individuals of Latino descent in gnomAD. Nonsense variants in GALC are expected to be pathogenic. This variant is interpreted as pathogenic.

Revvity Omics, Revvity
Classification: Pathogenic. Last evaluated: 2024-10-21. Review status: criteria provided, single submitter. Criteria: ACMG Guidelines, 2015. Collection method: clinical testing. Allele origin: germline.

Natera, Inc.
Classification: Pathogenic for Galactosylceramide beta-galactosidase deficiency. Last evaluated: 2024-09-11. Review status: criteria provided, single submitter. Criteria: Natera Variant Classification Schema (03/2026). Collection method: clinical testing. Allele origin: germline.
Comment: The c.489G>A variant in GALC is a nonsense variant predicted to introduce a stop codon at amino acid 163. This variant is expected to result in nonsense mediated decay, truncation, or a dysfunctional protein product. This variant is rare in the general population with a frequency below the threshold expected for the associated phenotype(s). This variant has been observed in one or more individuals affected with the associated recessive disease, as either homozygous or compound heterozygous with a second variant (PMID: 22115770). Given the available evidence, this variant is classified as Pathogenic.

Fulgent Genetics
Classification: Pathogenic for Galactosylceramide beta-galactosidase deficiency. Last evaluated: 2024-06-12. Review status: criteria provided, single submitter. Criteria: ACMG Guidelines, 2015. Collection method: clinical testing. Allele origin: germline.

Women's Health and Genetics/Laboratory Corporation of America, LabCorp
Classification: Pathogenic for Galactosylceramide beta-galactosidase deficiency. Last evaluated: 2022-11-10. Review status: criteria provided, single submitter. Criteria: LabCorp Variant Classification Summary - May 2015. Collection method: clinical testing. Allele origin: germline.
Comment: Variant summary: GALC c.489G>A (p.Trp163X) results in a premature termination codon, predicted to cause a truncation of the encoded protein or absence of the protein due to nonsense mediated decay, which are commonly known mechanisms for disease. Truncations downstream of this position have been classified as pathogenic by our laboratory. The variant allele was found at a frequency of 8e-06 in 249468 control chromosomes. c.489G>A has been reported in the literature in individuals affected with Krabbe Disease (Puckett_2012, Beltran-Quintero_2019). To our knowledge, no experimental evidence demonstrating an impact on protein function has been reported. Two clinical diagnostic laboratories have submitted clinical-significance assessments for this variant to ClinVar after 2014, and both laboratories classified the variant as pathogenic. Based on the evidence outlined above, the variant was classified as pathogenic.

GeneDx
Classification: Likely pathogenic. Last evaluated: 2022-05-31. Review status: criteria provided, single submitter. Criteria: GeneDx Variant Classification Process June 2021. Collection method: clinical testing. Allele origin: germline. Affected: yes.
Comment: Nonsense variant predicted to result in protein truncation or nonsense mediated decay in a gene for which loss of function is a known mechanism of disease; Not observed at significant frequency in large population cohorts (gnomAD); This variant is associated with the following publications: (PMID: 22115770)

Counsyl
Classification: Likely pathogenic for Galactosylceramide beta-galactosidase deficiency. Last evaluated: 2014-07-01. Review status: no assertion criteria provided. Collection method: literature only. Allele origin: unknown. Inheritance: Autosomal recessive inheritance. Not counted in ClinVar's aggregate classification.

Literature cited by the submitters: PubMed 7437911 (cited by Labcorp Genetics (formerly Invitae), Labcorp); PubMed 9272171 (cited by Labcorp Genetics (formerly Invitae), Labcorp); PubMed 16607461 (cited by Labcorp Genetics (formerly Invitae), Labcorp); PubMed 22115770 (cited by 4 submitters); PubMed 30777126 (cited by Women's Health and Genetics/Laboratory Corporation of America, LabCorp).